The following is an entry in ClinVar:

ClinVar aggregate classification (germline): Likely benign (1 of 4 stars; one submission).

Allele frequency attached by ClinVar (database versions not stated): gnomAD 0.01051 and 0.01115; TOPMed 0.01154; 1000 Genomes Project 0.01637; 1000 Genomes Project 30x 0.01796.

Submission:

GeneDx
Classification: Likely benign. Last evaluated: 2018-06-16. Review status: criteria provided, single submitter. Criteria: GeneDx Variant Classification (06012015). Collection method: clinical testing. Allele origin: germline. Affected: yes.
Comment: This variant is considered likely benign or benign based on one or more of the following criteria: it is a conservative change, it occurs at a poorly conserved position in the protein, it is predicted to be benign by multiple in silico algorithms, and/or has population frequency not consistent with disease.

NM_001244008.2(KIF1A):c.1768+267A>G

Gene: KIF1A (kinesin family member 1A; minus strand). Cytogenetic location: 2q37.3.
Variant type: single nucleotide variant.
Coding change: c.1768+267A>G on transcript NM_001244008.2 (MANE Select); 267 bases into the intron after coding-DNA position 1768, A replaced by G.
Molecular consequence: intron variant.
Genome position (GRCh38, 1-based): chr2:240,765,443, T>C on the plus strand (A>G on the coding strand, the complement: KIF1A is on the minus strand). VCF-style: chr2-240765443-T-C. GRCh37 (hg19) VCF-style: chr2-241704860-T-C.
Other names: c.1741+267A>G (NM_001379653.1, NM_001379650.1, NM_001379645.1 and 10 more transcripts); c.1843+267A>G (NM_001379635.1, NM_001330290.2, NM_001379646.1 and 2 more transcripts); c.1816+267A>G (NM_001379637.1, NM_001379648.1); c.1768+267A>G (NM_001320705.2, NM_001379638.1, NM_001330289.2).
Identifiers: ClinVar variation 673456 (VCV000673456.1), dbSNP rs75735663, ClinGen allele CA68173909.